The following is an entry in ClinVar:

NM_007294.4(BRCA1):c.5467+16G>A

Gene: BRCA1 (BRCA1 DNA repair associated; minus strand). Cytogenetic location: 17q21.31.
Variant type: single nucleotide variant.
Coding change: c.5467+16G>A on transcript NM_007294.4 (MANE Select); 16 bases into the intron after coding-DNA position 5467, G replaced by A.
Molecular consequence: intron variant.
Genome position (GRCh38, 1-based): chr17:43,047,627, C>T on the plus strand (G>A on the coding strand, the complement: BRCA1 is on the minus strand). VCF-style: chr17-43047627-C-T. GRCh37 (hg19) VCF-style: chr17-41199644-C-T.
Other names: c.5338+16G>A (NM_001407686.1, NM_001407685.1, NM_001407688.1 and 6 more transcripts); c.2152+16G>A (NM_001408397.1, NM_001408401.1, NM_001408396.1 and 7 more transcripts); c.5461+16G>A (NM_001407632.1, NM_001407627.1, NM_001407635.1 and 13 more transcripts); c.5464+16G>A (NM_001407613.1, NM_001407618.1, NM_001407614.1 and 14 more transcripts); c.2032+16G>A (NM_001408436.1, NM_001408435.1, NM_001408444.1 and 10 more transcripts); c.5344+16G>A (NM_001407665.1, NM_001407667.1, NM_001407668.1 and 3 more transcripts); c.2155+16G>A (NM_001407980.1, NM_001407993.1, NM_001407985.1 and 10 more transcripts); c.2158+16G>A (NM_001407976.1, NM_001407974.1, NM_001407973.1 and 3 more transcripts); and 83 more.
Identifiers: ClinVar variation 864894 (VCV000864894.5), dbSNP rs2050972271, ClinGen allele CA913187703.

ClinVar aggregate classification (germline): Likely benign (1 of 4 stars; one submission).

Conditions:
Hereditary cancer-predisposing syndrome. Also called: Tumor predisposition; Hereditary Cancer Syndrome; Hereditary neoplastic syndrome; Neoplastic Syndromes, Hereditary. Identifiers: Orphanet 140162, MedGen C0027672, MeSH D009386, MONDO:0015356.

Submissions (2):

Color Diagnostics, LLC DBA Color Health
Classification: Likely benign for Hereditary cancer-predisposing syndrome. Last evaluated: 2018-08-20. Review status: criteria provided, single submitter. Criteria: ACMG Guidelines, 2015. Collection method: clinical testing. Allele origin: germline.

Brotman Baty Institute, University of Washington
No classification provided (evidence only). Condition: Breast-ovarian cancer, familial 1. Review status: no classification provided. Collection method: in vitro. Allele origin: not applicable. Functional consequence: functionally_normal. Not counted in ClinVar's aggregate classification.
ClinVar note: "not provided" was previously submitted as the classification for the variant. However, the classification appeared to be based only on an observation of functional data so it was converted to no classification on 2025-07-30.